The following is an entry in ClinVar:

NM_020771.4(HACE1):c.1000G>A (p.Gly334Ser)

Gene: HACE1 (HECT domain and ankyrin repeat containing E3 ubiquitin protein ligase 1; minus strand). Cytogenetic location: 6q16.3.
Variant type: single nucleotide variant.
Coding change: c.1000G>A on transcript NM_020771.4 (MANE Select); coding-DNA position 1000, G replaced by A.
Protein change: p.Gly334Ser; replaces glycine 334 with serine.
Molecular consequence: missense variant. On other transcripts: non-coding transcript variant (7).
Genome position (GRCh38, 1-based): chr6:104,791,578, C>T on the plus strand (G>A on the coding strand, the complement: HACE1 is on the minus strand). VCF-style: chr6-104791578-C-T. GRCh37 (hg19) VCF-style: chr6-105239453-C-T.
Other names: c.868G>A, p.Gly290Ser (NM_001321080.2); c.898G>A, p.Gly300Ser (NM_001321083.2); c.496G>A, p.Gly166Ser (NM_001321084.2, NM_001350557.2, NM_001350558.2); c.766G>A, p.Gly256Ser (NM_001350554.2); c.709G>A, p.Gly237Ser (NM_001350555.2); c.514G>A, p.Gly172Ser (NM_001350556.2); c.418G>A, p.Gly140Ser (NM_001350559.2); c.217G>A, p.Gly73Ser (NM_001350560.2); short protein forms G140S, G334S, G73S, G166S, G172S, G256S, G290S, G300S.
Identifiers: ClinVar variation 1932564 (VCV001932564.5), dbSNP rs1253594921, ClinGen allele CA365137438.

ClinVar aggregate classification (germline): Uncertain significance (1 of 4 stars; one submission).

Allele frequency attached by ClinVar (database versions not stated): gnomAD exomes below 0.00001; TOPMed below 0.00001.
gnomAD v4.1: 1 of 1,610,814 alleles (0.000062%); highest among the groups gnomAD compares: Admixed American, 0.0017%; no homozygotes.

Submission:

Labcorp Genetics (formerly Invitae), Labcorp
Classification: Uncertain significance. Last evaluated: 2024-10-25. Review status: criteria provided, single submitter. Criteria: Invitae Variant Classification Sherloc (09022015). Collection method: clinical testing. Allele origin: germline.
Comment: This sequence change replaces glycine, which is neutral and non-polar, with serine, which is neutral and polar, at codon 334 of the HACE1 protein (p.Gly334Ser). This variant is present in population databases (no rsID available, gnomAD 0.003%). This variant has not been reported in the literature in individuals affected with HACE1-related conditions. ClinVar contains an entry for this variant (Variation ID: 1932564). Invitae Evidence Modeling of protein sequence and biophysical properties (such as structural, functional, and spatial information, amino acid conservation, physicochemical variation, residue mobility, and thermodynamic stability) indicates that this missense variant is not expected to disrupt HACE1 protein function with a negative predictive value of 80%. In summary, the available evidence is currently insufficient to determine the role of this variant in disease. Therefore, it has been classified as a Variant of Uncertain Significance.